The following is an entry in ClinVar:

NM_138694.4(PKHD1):c.8988C>T (p.Phe2996=)

Gene: PKHD1 (PKHD1 ciliary IPT domain containing fibrocystin/polyductin; minus strand). Cytogenetic location: 6p12.3.
Variant type: single nucleotide variant.
Coding change: c.8988C>T on transcript NM_138694.4 (MANE Select); coding-DNA position 8988, C replaced by T.
Protein change: p.Phe2996=; no amino-acid change (phenylalanine 2996 retained).
Molecular consequence: synonymous variant.
Genome position (GRCh38, 1-based): chr6:51,748,628, G>A on the plus strand (C>T on the coding strand, the complement: PKHD1 is on the minus strand). VCF-style: chr6-51748628-G-A. GRCh37 (hg19) VCF-style: chr6-51613426-G-A.
Other names: c.8988C>T, p.Phe2996= (NM_170724.3).
Identifiers: ClinVar variation 1088046 (VCV001088046.36), dbSNP rs576108391, ClinGen allele CA3851465.

ClinVar aggregate classification (germline): Likely benign. Review status: criteria provided, multiple submitters, no conflicts (2 of 4 stars). 2 submissions from 2 submitters: Likely benign (2). Last evaluated 2026-01-17.

Conditions:
Autosomal recessive polycystic kidney disease (ARPKD). Also called: AR polycystic kidney disease. Identifiers: Orphanet 731, Orphanet 8378, MedGen C0085548, MeSH D017044, MONDO:0009889.

Allele frequency attached by ClinVar (database versions not stated): gnomAD 0.00001 and 0.00002; ExAC 0.00002; gnomAD exomes 0.00002 and 0.00003; TOPMed 0.00002; 1000 Genomes Project 0.00040; 1000 Genomes Project 30x 0.00047.
gnomAD v4.1: 42 of 1,613,716 alleles (0.0026%); highest among the groups gnomAD compares: Middle Eastern, 0.017%; no homozygotes.

Submissions (2):

Labcorp Genetics (formerly Invitae), Labcorp
Classification: Likely benign for Autosomal recessive polycystic kidney disease. Last evaluated: 2026-01-17. Review status: criteria provided, single submitter. Criteria: Invitae Variant Classification Sherloc (09022015). Collection method: clinical testing. Allele origin: germline.

CeGaT Center for Human Genetics Tuebingen
Classification: Likely benign. Last evaluated: 2023-05-01. Review status: criteria provided, single submitter. Criteria: CeGaT Center For Human Genetics Tuebingen Variant Classification Criteria Version 2. Collection method: clinical testing. Allele origin: germline. Affected: yes. Observed: 2 variant alleles.
Comment: PKHD1: BP4, BP7